The following is an entry in ClinVar:

ClinVar aggregate classification (germline): Uncertain significance. Review status: criteria provided, multiple submitters, no conflicts (2 of 4 stars). 2 submissions from 2 submitters: Uncertain significance (2). Last evaluated 2025-12-29.

Conditions:
Inborn genetic diseases. Identifiers: MedGen C0950123, MeSH D030342.
Deafness-lymphedema-leukemia syndrome. Also called: Emberger syndrome; Lymphedema, primary, with myelodysplasia. Identifiers: Orphanet 3226, MedGen C3279664, MONDO:0013540, OMIM 614038.
Monocytopenia with susceptibility to infections. Also called: IMMUNODEFICIENCY 21; GATA2 DEFICIENCY; MONOCYTOPENIA AND MYCOBACTERIAL INFECTION SYNDROME; MONOCYTOPENIA WITH SUSCEPTIBILITY TO MYCOBACTERIAL, FUNGAL, AND PAPILLOMAVIRUS INFECTIONS AND MYELODYSPLASIA; COMBINED IMMUNODEFICIENCY WITH SUSCEPTIBILITY TO MYCOBACTERIAL, VIRAL, AND FUNGAL INFECTIONS; Dendritic cell, monocyte, B lymphocyte, and natural killer lymphocyte deficiency. Identifiers: Orphanet 228423, MedGen C3280030, MONDO:0013607, OMIM 614172.

Submissions (2):

Labcorp Genetics (formerly Invitae), Labcorp
Classification: Uncertain significance for Monocytopenia with susceptibility to infections; Deafness-lymphedema-leukemia syndrome. Last evaluated: 2025-12-29. Review status: criteria provided, single submitter. Criteria: Invitae Variant Classification Sherloc (09022015). Collection method: clinical testing. Allele origin: germline.
Comment: This sequence change replaces leucine, which is neutral and non-polar, with phenylalanine, which is neutral and non-polar, at codon 105 of the GATA2 protein (p.Leu105Phe). This variant is not present in population databases (gnomAD no frequency). This variant has not been reported in the literature in individuals affected with GATA2-related conditions. ClinVar contains an entry for this variant (Variation ID: 1449129). Invitae Evidence Modeling of protein sequence and biophysical properties (such as structural, functional, and spatial information, amino acid conservation, physicochemical variation, residue mobility, and thermodynamic stability) indicates that this missense variant is not expected to disrupt GATA2 protein function with a negative predictive value of 95%. In summary, the available evidence is currently insufficient to determine the role of this variant in disease. Therefore, it has been classified as a Variant of Uncertain Significance.

Ambry Genetics
Classification: Uncertain significance for Inborn genetic diseases. Last evaluated: 2025-06-08. Review status: criteria provided, single submitter. Criteria: Ambry Variant Classification Scheme 2023. Collection method: clinical testing. Allele origin: germline.
Comment: The p.L105F variant (also known as c.313C>T), located in coding exon 2 of the GATA2 gene, results from a C to T substitution at nucleotide position 313. The leucine at codon 105 is replaced by phenylalanine, an amino acid with highly similar properties. This amino acid position is conserved. In addition, the in silico prediction for this alteration is inconclusive. Based on the available evidence, the clinical significance of this variant remains unclear.

NM_032638.5(GATA2):c.313C>T (p.Leu105Phe)

Gene: GATA2 (GATA binding protein 2; minus strand). Cytogenetic location: 3q21.3.
Variant type: single nucleotide variant.
Coding change: c.313C>T on transcript NM_032638.5 (MANE Select); coding-DNA position 313, C replaced by T.
Protein change: p.Leu105Phe; replaces leucine 105 with phenylalanine.
Molecular consequence: missense variant.
Genome position (GRCh38, 1-based): chr3:128,486,285, G>A on the plus strand (C>T on the coding strand, the complement: GATA2 is on the minus strand). VCF-style: chr3-128486285-G-A. GRCh37 (hg19) VCF-style: chr3-128205128-G-A.
Other names: c.313C>T (NM_032638.4); c.313C>T, p.Leu105Phe (NM_001145661.2, NM_001145662.1); short protein forms L105F.
Identifiers: ClinVar variation 1449129 (VCV001449129.9), dbSNP rs2107672852, ClinGen allele CA354407403.